The following is an entry in ClinVar:

NM_000289.6(PFKM):c.594-18T>A

Gene: PFKM (phosphofructokinase, muscle; plus strand). Cytogenetic location: 12q13.11.
Variant type: single nucleotide variant.
Coding change: c.594-18T>A on transcript NM_000289.6 (MANE Select); 18 bases into the intron before coding-DNA position 594, T replaced by A.
Molecular consequence: intron variant.
Genome position (GRCh38, 1-based): chr12:48,134,214, T>A. VCF-style: chr12-48134214-T-A. GRCh37 (hg19) VCF-style: chr12-48527997-T-A.
Other names: c.618-18T>A (NM_001354741.2); c.594-18T>A (NM_001354742.2, NM_001354743.2, NM_001354744.2 and 4 more transcripts); c.444-18T>A (NM_001354747.2, NM_001354748.2); c.807-18T>A (NM_001166686.2, NM_001354737.1, NM_001354739.1 and 1 more transcripts); c.903-18T>A (NM_001354736.1, NM_001354735.1); c.738-18T>A (NM_001354740.1); c.507-18T>A (NM_001354745.2).
Identifiers: ClinVar variation 386068 (VCV000386068.5), dbSNP rs372899080, ClinGen allele CA6537045.
Genomic context (GRCh38, chr12:48,134,214, plus strand): 5'-AATTGGCCTAGATGTGGGTGGTGGCTTGATCTTGGCCATAGGGTCACTTGGACTGTGTCA[T>A]ATGTCTATCTCTTGCAGCCACCAGAGGACATTTGTGTTAGAAGTAATGGGCCGCCACTGT-3'

ClinVar aggregate classification (germline): Likely benign. Review status: criteria provided, multiple submitters, no conflicts (2 of 4 stars). 2 submissions from 2 submitters: Likely benign (2). Last evaluated 2025-12-22.

Conditions:
Glycogen storage disease, type VII (GSD7). Also called: TARUI DISEASE; MUSCLE PHOSPHOFRUCTOKINASE DEFICIENCY; PFKM DEFICIENCY; GSD VII. Identifiers: Orphanet 371, MedGen C0017926, MONDO:0009295, OMIM 232800.

Allele frequency attached by ClinVar (database versions not stated): gnomAD 0.00007; ESP Exome Variant Server 0.00008; TOPMed 0.00008; ExAC 0.00009.
gnomAD v4.1: 141 of 1,611,972 alleles (0.0087%); highest among the groups gnomAD compares: Non-Finnish European, 0.011%; no homozygotes.

Submissions (2):

Labcorp Genetics (formerly Invitae), Labcorp
Classification: Likely benign for Glycogen storage disease, type VII. Last evaluated: 2025-12-22. Review status: criteria provided, single submitter. Criteria: Invitae Variant Classification Sherloc (09022015). Collection method: clinical testing. Allele origin: germline.

GeneDx
Classification: Likely benign. Last evaluated: 2016-05-18. Review status: criteria provided, single submitter. Criteria: GeneDx Variant Classification (06012015). Collection method: clinical testing. Allele origin: germline. Affected: yes.
Comment: This variant is considered likely benign or benign based on one or more of the following criteria: it is a conservative change, it occurs at a poorly conserved position in the protein, it is predicted to be benign by multiple in silico algorithms, and/or has population frequency not consistent with disease.